The following is an entry in ClinVar:

ClinVar aggregate classification (germline): Uncertain significance. Review status: reviewed by expert panel (3 of 4 stars). 4 submissions from 4 submitters: Uncertain significance (1). 3 of the submissions do not count toward it. Last evaluated 2022-03-24.

Conditions:
Mitochondrial disease. Also called: Mitochondrial disorder; Mitochondrial disorders. Identifiers: Orphanet 68380, MedGen C0751651, MeSH D028361, MONDO:0044970.
Leber optic atrophy (LHON). Also called: Optic Atrophy, Hereditary, Leber; Leber hereditary optic neuropathy; Leber's disease; Leber's optic atrophy. Identifiers: Orphanet 104, MedGen C0917796, MONDO:0010788, OMIM 535000, HP:0001112.

Submissions (4):

ClinGen Mitochondrial Disease Nuclear and Mitochondrial  Variant Curation Expert Panel, ClinGen
Classification: Uncertain significance for Mitochondrial disease. Last evaluated: 2022-03-24. Review status: reviewed by expert panel. Criteria: clingen mito disease acmg specifications v1-1. Collection method: curation. Allele origin: germline. Inheritance: Mitochondrial inheritance.
Comment: The m.3733G>A (p.E143K) variant in MT-ND1 has been reported in 10 individuals with features of primary mitochondrial disease from 4 families. Affected individuals had features consistent with LHON and LHON-plus (PS4_moderate; PMIDs: 15505787, 27177320, 29387390). There are no reports of de novo occurrences of this variant. Segregation was only seen in one family, with healthy mother having lower heteroplasmy levels than affected child (PMID: 15505787), however this does not meet criteria for PP1_supporting (minimum 2 segregations). There are 2 occurrences of this variant in GenBank dataset, however both are from individuals with known mitochondrial disease, and this variant is absent in gnomAD v3.1.2 and in Helix dataset (PM2_supporting). There are no functional studies reported. The computational predictor APOGEE gives a consensus rating of pathogenic with a score of 0.79 (Min=0, Max=1), which predicts a damaging effect on gene function (PP3). In summary, this variant meets criteria to be classified as uncertain significance for primary mitochondrial disease inherited in a mitochondrial manner. This classification was approved by the NICHD/NINDS U24 Mitochondrial Disease Variant Curation Expert Panel on March 22, 2022. Mitochondrial DNA-specific ACMG/AMP criteria applied: PS4_moderate, PM2_supporting, PP3.

Mendelics
Classification: Pathogenic for Leber optic atrophy. Last evaluated: 2022-05-04. Review status: criteria provided, single submitter. Criteria: Mendelics Assertion Criteria 2019. Collection method: clinical testing. Allele origin: germline. Not counted in ClinVar's aggregate classification.

OMIM
Classification: Pathogenic for LEBER OPTIC ATROPHY. Last evaluated: 2004-11-01. Review status: no assertion criteria provided. Collection method: literature only. Allele origin: germline. Not counted in ClinVar's aggregate classification.

GeneReviews
No classification provided. Condition: Leber optic atrophy. Review status: no classification provided. Collection method: literature only. Allele origin: maternal. Not counted in ClinVar's aggregate classification.
Comment: This mitochondrial DNA variant affects function. It hase been identified in at least two independent LHON pedigrees and segregates with affected disease status.

Literature cited by the submitters: PubMed 15505787 (cited by OMIM); PubMed 30143805 (cited by GeneReviews); PubMed 20301353 (cited by GeneReviews).

NC_012920.1(MT-ND1):m.3733G>A

Gene: MT-ND1 (mitochondrially encoded NADH dehydrogenase 1; plus strand).
Variant type: single nucleotide variant.
Genome position: chrM-3733-G-A.
Identifiers: ClinVar variation 9736 (VCV000009736.5), dbSNP rs199476125, ClinGen allele CA340950.